The following is an entry in ClinVar:

NM_000161.3(GCH1):c.22G>C (p.Ala8Pro)

Genes: GCH1 (GTP cyclohydrolase 1; minus strand), LOC130055692 (ATAC-STARR-seq lymphoblastoid silent region 5776; plus strand). Cytogenetic location: 14q22.2.
Variant type: single nucleotide variant.
Coding change: c.22G>C on transcript NM_000161.3 (MANE Select); coding-DNA position 22, G replaced by C.
Protein change: p.Ala8Pro; replaces alanine 8 with proline.
Molecular consequence: missense variant.
Genome position (GRCh38, 1-based): chr14:54,902,642, C>G on the plus strand (G>C on the coding strand, the complement: GCH1 is on the minus strand). VCF-style: chr14-54902642-C-G. GRCh37 (hg19) VCF-style: chr14-55369360-C-G.
Other names: c.22G>C, p.Ala8Pro (NM_001024024.2, NM_001024070.2, NM_001024071.2); short protein forms A8P.
Identifiers: ClinVar variation 1464467 (VCV001464467.8), dbSNP rs529381971, ClinGen allele CA389794892.

ClinVar aggregate classification (germline): Uncertain significance (1 of 4 stars; one submission).

Conditions:
GTP cyclohydrolase I deficiency. Identifiers: MedGen C0268467, MONDO:0100184.
Dystonia 5 (DRD). Also called: GTP Cyclohydrolase 1-Deficient Dopa-Responsive Dystonia; DYT-GCH1; Dystonia, DOPA-responsive, with or without hyperphenylalaninemia; DYSTONIA, PROGRESSIVE, WITH DIURNAL VARIATION; DYSTONIA-PARKINSONISM WITH DIURNAL FLUCTUATION. Identifiers: Orphanet 98808, MedGen C1851920, MONDO:0007495, OMIM 128230.

gnomAD v4.1: 2 of 1,483,228 alleles (0.00013%); highest among the groups gnomAD compares: Non-Finnish European, 0.00018%; no homozygotes.

Submission:

Labcorp Genetics (formerly Invitae), Labcorp
Classification: Uncertain significance for GTP cyclohydrolase I deficiency; Dystonia 5. Last evaluated: 2022-09-01. Review status: criteria provided, single submitter. Criteria: Invitae Variant Classification Sherloc (09022015). Collection method: clinical testing. Allele origin: germline.
Comment: ClinVar contains an entry for this variant (Variation ID: 1464467). This variant has not been reported in the literature in individuals affected with GCH1-related conditions. This variant is not present in population databases (gnomAD no frequency). This sequence change replaces alanine, which is neutral and non-polar, with proline, which is neutral and non-polar, at codon 8 of the GCH1 protein (p.Ala8Pro). Advanced modeling of protein sequence and biophysical properties (such as structural, functional, and spatial information, amino acid conservation, physicochemical variation, residue mobility, and thermodynamic stability) performed at Invitae indicates that this missense variant is not expected to disrupt GCH1 protein function. In summary, the available evidence is currently insufficient to determine the role of this variant in disease. Therefore, it has been classified as a Variant of Uncertain Significance.